The following is an entry in ClinVar:

NM_001374259.2(IL12RB2):c.1829G>A (p.Gly610Glu)

Gene: IL12RB2 (interleukin 12 receptor subunit beta 2; plus strand). Cytogenetic location: 1p31.3.
Variant type: single nucleotide variant.
Coding change: c.1829G>A on transcript NM_001374259.2 (MANE Select); coding-DNA position 1829, G replaced by A.
Protein change: p.Gly610Glu; replaces glycine 610 with glutamic acid.
Molecular consequence: missense variant. On other transcripts: non-coding transcript variant (2).
Genome position (GRCh38, 1-based): chr1:67,380,097, G>A. VCF-style: chr1-67380097-G-A. GRCh37 (hg19) VCF-style: chr1-67845780-G-A.
Other names: c.1571G>A, p.Gly524Glu (NM_001258215.1); c.1829G>A, p.Gly610Glu (NM_001258216.1, NM_001319233.1, NM_001559.3 and 1 more transcripts); short protein forms G610E, G524E.
Identifiers: ClinVar variation 3701040 (VCV003701040.2).

ClinVar aggregate classification (germline): Uncertain significance (1 of 4 stars; one submission).

gnomAD v4.1: 1 of 1,614,212 alleles (0.000062%); highest among the groups gnomAD compares: Non-Finnish European, 0.000085%; no homozygotes.

Submission:

Labcorp Genetics (formerly Invitae), Labcorp
Classification: Uncertain significance. Last evaluated: 2024-06-09. Review status: criteria provided, single submitter. Criteria: Invitae Variant Classification Sherloc (09022015). Collection method: clinical testing. Allele origin: germline.
Comment: This sequence change replaces glycine, which is neutral and non-polar, with glutamic acid, which is acidic and polar, at codon 610 of the IL12RB2 protein (p.Gly610Glu). This variant is not present in population databases (gnomAD no frequency). This variant has not been reported in the literature in individuals affected with IL12RB2-related conditions. An algorithm developed to predict the effect of missense changes on protein structure and function (PolyPhen-2) suggests that this variant is likely to be disruptive. In summary, the available evidence is currently insufficient to determine the role of this variant in disease. Therefore, it has been classified as a Variant of Uncertain Significance.